The following is an entry in ClinVar:

NM_005732.4(RAD50):c.2361del (p.Cys788fs)

Gene: RAD50 (RAD50 double strand break repair protein; plus strand). Cytogenetic location: 5q31.1.
Variant type: Deletion.
Coding change: c.2361del on transcript NM_005732.4 (MANE Select); coding-DNA position 2361, one base deleted (A; older notation c.2361delA).
Protein change: p.Cys788fs; shifts the reading frame from cysteine 788.
Molecular consequence: frameshift variant.
Genome position (GRCh38, 1-based): chr5:132,603,453, A deleted. VCF-style (leftmost placement, unchanged base first): chr5-132603452-TA-T. GRCh37 (hg19) VCF-style: chr5-131939144-TA-T.
Other names: short protein forms C788fs.
Identifiers: ClinVar variation 480422 (VCV000480422.5), dbSNP rs1554099112, ClinGen allele CA658657519.
Genomic context (GRCh38, chr5:132,603,452, plus strand): 5'-ACATAGAAGAACAAGAAACACTCTTGGGTACAATAATGCCTGAAGAAGAAAGTGCCAAAG[TA>T]TGCCTGACAGATGTTACAATTATGGAGAGGTTCCAGGTAAGTTTATTGTAGTTTAAGGCA-3'

ClinVar aggregate classification (germline): Pathogenic (1 of 4 stars; one submission).

Conditions:
Hereditary cancer-predisposing syndrome. Also called: Hereditary Cancer Syndrome; Neoplastic Syndromes, Hereditary; Tumor predisposition; Hereditary neoplastic syndrome. Identifiers: Orphanet 140162, MedGen C0027672, MeSH D009386, MONDO:0015356.

Submission:

Ambry Genetics
Classification: Pathogenic for Hereditary cancer-predisposing syndrome. Last evaluated: 2016-03-25. Review status: criteria provided, single submitter. Criteria: Ambry Variant Classification Scheme 2023. Collection method: clinical testing. Allele origin: germline.
Comment: The c.2361delA pathogenic mutation, located in coding exon 14 of the RAD50 gene, results from a deletion of one nucleotide at nucleotide position 2361, causing a translational frameshift with a predicted alternate stop codon. Since frameshifts are typically deleterious in nature, this alteration is interpreted as a disease-causing mutation (ACMG Recommendations for Standards for Interpretation and Reporting of Sequence Variations. Revision 2007. Genet Med. 2008;10:294).